The following is an entry in ClinVar:

NM_001367624.2(ZNF469):c.10461C>T (p.Gly3487=)

Gene: ZNF469 (zinc finger protein 469; plus strand). Cytogenetic location: 16q24.2.
Variant type: single nucleotide variant.
Coding change: c.10461C>T on transcript NM_001367624.2 (MANE Select); coding-DNA position 10461, C replaced by T.
Protein change: p.Gly3487=; no amino-acid change (glycine 3487 retained).
Molecular consequence: synonymous variant.
Genome position (GRCh38, 1-based): chr16:88,437,931, C>T. VCF-style: chr16-88437931-C-T. GRCh37 (hg19) VCF-style: chr16-88504339-C-T.
Other names: NM_001127464.1:c.10377C>T.
Identifiers: ClinVar variation 1254861 (VCV001254861.21), dbSNP rs1290614620, ClinGen allele CA497359147.

ClinVar aggregate classification (germline): Likely benign. Review status: criteria provided, multiple submitters, no conflicts (2 of 4 stars). 5 submissions from 5 submitters: Likely benign (5). Last evaluated 2025-03-01.

Conditions:
Cardiovascular phenotype. Identifiers: MedGen CN230736.

Allele frequency attached by ClinVar (database versions not stated): gnomAD exomes 0.00001; gnomAD 0.00003; TOPMed 0.00003.
gnomAD v4.1: 21 of 1,540,560 alleles (0.0014%); highest among the groups gnomAD compares: African/African-American, 0.0027%; no homozygotes.

Submissions (5):

CeGaT Center for Human Genetics Tuebingen
Classification: Likely benign. Last evaluated: 2025-03-01. Review status: criteria provided, single submitter. Criteria: CeGaT Center For Human Genetics Tuebingen Variant Classification Criteria Version 2. Collection method: clinical testing. Allele origin: germline. Affected: yes. Observed: 1 variant allele.
Comment: ZNF469: BP4, BP7

Labcorp Genetics (formerly Invitae), Labcorp
Classification: Likely benign. Last evaluated: 2025-01-17. Review status: criteria provided, single submitter. Criteria: Invitae Variant Classification Sherloc (09022015). Collection method: clinical testing. Allele origin: germline.

Blueprint Genetics
Classification: Likely benign. Last evaluated: 2023-04-25. Review status: criteria provided, single submitter. Criteria: ACMG Guidelines, 2015. Collection method: clinical testing. Allele origin: germline.

Ambry Genetics
Classification: Likely benign for Cardiovascular phenotype. Last evaluated: 2022-03-23. Review status: criteria provided, single submitter. Criteria: Ambry Variant Classification Scheme 2023. Collection method: clinical testing. Allele origin: germline.

GeneDx
Classification: Likely benign. Last evaluated: 2021-02-03. Review status: criteria provided, single submitter. Criteria: GeneDx Variant Classification Process June 2021. Collection method: clinical testing. Allele origin: germline. Affected: yes.